The following is an entry in ClinVar:

ClinVar aggregate classification (germline): Uncertain significance. Review status: criteria provided, multiple submitters, no conflicts (2 of 4 stars). 2 submissions from 2 submitters: Uncertain significance (2). Last evaluated 2024-12-16.

Conditions:
Hereditary cancer-predisposing syndrome. Also called: Neoplastic Syndromes, Hereditary; Hereditary neoplastic syndrome; Tumor predisposition; Hereditary Cancer Syndrome. Identifiers: Orphanet 140162, MedGen C0027672, MeSH D009386, MONDO:0015356.
Cardiovascular phenotype. Identifiers: MedGen CN230736.

Allele frequency attached by ClinVar (database versions not stated): ExAC 0.00002.
gnomAD v4.1: 4 of 1,594,400 alleles (0.00025%); highest among the groups gnomAD compares: East Asian, 0.0023%; no homozygotes.

Submissions (2):

Ambry Genetics
Classification: Uncertain significance for Cardiovascular phenotype; Hereditary cancer-predisposing syndrome. Last evaluated: 2024-12-16. Review status: criteria provided, single submitter. Criteria: Ambry Variant Classification Scheme 2023. Collection method: clinical testing. Allele origin: germline.
Comment: The p.V499M variant (also known as c.1495G>A), located in coding exon 14 of the LZTR1 gene, results from a G to A substitution at nucleotide position 1495. The valine at codon 499 is replaced by methionine, an amino acid with highly similar properties. This amino acid position is conserved. In addition, this alteration is predicted to be tolerated by in silico analysis. Since supporting evidence is limited at this time, the clinical significance of this alteration remains unclear.

Labcorp Genetics (formerly Invitae), Labcorp
Classification: Uncertain significance. Last evaluated: 2024-11-11. Review status: criteria provided, single submitter. Criteria: Invitae Variant Classification Sherloc (09022015). Collection method: clinical testing. Allele origin: germline.
Comment: This sequence change replaces valine, which is neutral and non-polar, with methionine, which is neutral and non-polar, at codon 499 of the LZTR1 protein (p.Val499Met). This variant is present in population databases (rs773420178, gnomAD 0.01%). This variant has not been reported in the literature in individuals affected with LZTR1-related conditions. ClinVar contains an entry for this variant (Variation ID: 2496773). Invitae Evidence Modeling of protein sequence and biophysical properties (such as structural, functional, and spatial information, amino acid conservation, physicochemical variation, residue mobility, and thermodynamic stability) indicates that this missense variant is not expected to disrupt LZTR1 protein function with a negative predictive value of 80%. In summary, the available evidence is currently insufficient to determine the role of this variant in disease. Therefore, it has been classified as a Variant of Uncertain Significance.

NM_006767.4(LZTR1):c.1495G>A (p.Val499Met)

Gene: LZTR1 (leucine zipper like post translational regulator 1; plus strand). Cytogenetic location: 22q11.21.
Variant type: single nucleotide variant.
Coding change: c.1495G>A on transcript NM_006767.4 (MANE Select); coding-DNA position 1495, G replaced by A.
Protein change: p.Val499Met; replaces valine 499 with methionine.
Molecular consequence: missense variant.
Genome position (GRCh38, 1-based): chr22:20,994,149, G>A. VCF-style: chr22-20994149-G-A. GRCh37 (hg19) VCF-style: chr22-21348438-G-A.
Other names: short protein forms V499M.
Identifiers: ClinVar variation 2496773 (VCV002496773.6), dbSNP rs773420178, ClinGen allele CA10118921.
Genomic context (GRCh38, chr22:20,994,149, plus strand): 5'-CCCTTCTCCCCACAGAAGCTGGAGCAGGAGGCCGCCCCAGTTCCCAGGGAGGCCCCCGGC[G>A]TGGCTGCTGGTGGGGCCCGGCCGCCCCTGCTGCACGTGGCCATCCGGGAGGCCGAGGCCC-3'
Protein context (NP_006758.2, residues 489-509): AAPVPREAPG[Val499Met]AAGGARPPLL